The following is an entry in ClinVar:

ClinVar aggregate classification (germline): Uncertain significance (1 of 4 stars; one submission).

Submission:

GeneDx
Classification: Uncertain significance. Last evaluated: 2024-08-30. Review status: criteria provided, single submitter. Criteria: GeneDx Variant Classification Process June 2021. Collection method: clinical testing. Allele origin: germline. Affected: yes.
Comment: In-frame deletion of 1 amino acids in a non-repeat region; In silico analysis, which includes protein predictors and evolutionary conservation, supports a deleterious effect; Has not been previously published as pathogenic or benign to our knowledge

NM_005654.6(NR2F1):c.1207_1209del (p.Ile403del)

Gene: NR2F1 (nuclear receptor subfamily 2 group F member 1; plus strand). Cytogenetic location: 5q15.
Variant type: Deletion.
Coding change: c.1207_1209del on transcript NM_005654.6 (MANE Select); coding-DNA positions 1207 to 1209, 3 bases deleted (ATC; older notation c.1207_1209delATC).
Protein change: p.Ile403del; deletes isoleucine 403.
Molecular consequence: inframe deletion.
Genome position (GRCh38, 1-based): chr5:93,593,777-93,593,779, ATC deleted; deleting any 3 consecutive bases within chr5:93,593,775-93,593,779 gives the same sequence; the c. name uses the placement nearest the transcript's 3' end. VCF-style (leftmost placement, unchanged base first): chr5-93593774-CTCA-C. GRCh37 (hg19) VCF-style: chr5-92929480-CTCA-C.
Other names: short protein forms I403del.
Identifiers: ClinVar variation 1307325 (VCV001307325.3), dbSNP rs2149946131, ClinGen allele CA2573052549.